The following is an entry in ClinVar:

ClinVar aggregate classification (germline): Uncertain significance (1 of 4 stars; one submission).

Allele frequency attached by ClinVar (database versions not stated): ExAC 0.00001.

Submission:

Labcorp Genetics (formerly Invitae), Labcorp
Classification: Uncertain significance. Last evaluated: 2023-04-28. Review status: criteria provided, single submitter. Criteria: Invitae Variant Classification Sherloc (09022015). Collection method: clinical testing. Allele origin: germline.
Comment: This sequence change replaces valine, which is neutral and non-polar, with glycine, which is neutral and non-polar, at codon 204 of the PSMB4 protein (p.Val204Gly). This variant is present in population databases (rs778245626, gnomAD 0.003%). This variant has not been reported in the literature in individuals affected with PSMB4-related conditions. An algorithm developed to predict the effect of missense changes on protein structure and function (PolyPhen-2) suggests that this variant is likely to be tolerated. In summary, the available evidence is currently insufficient to determine the role of this variant in disease. Therefore, it has been classified as a Variant of Uncertain Significance.

NM_002796.3(PSMB4):c.611T>G (p.Val204Gly)

Gene: PSMB4 (proteasome 20S subunit beta 4; plus strand). Cytogenetic location: 1q21.3.
Variant type: single nucleotide variant.
Coding change: c.611T>G on transcript NM_002796.3 (MANE Select); coding-DNA position 611, T replaced by G.
Protein change: p.Val204Gly; replaces valine 204 with glycine.
Molecular consequence: missense variant.
Genome position (GRCh38, 1-based): chr1:151,401,273, T>G. VCF-style: chr1-151401273-T-G. GRCh37 (hg19) VCF-style: chr1-151373749-T-G.
Other names: short protein forms V204G.
Identifiers: ClinVar variation 2860419 (VCV002860419.3), dbSNP rs778245626, ClinGen allele CA1090727.
Genomic context (GRCh38, chr1:151,401,273, plus strand): 5'-CCATGGTTTTCCCCCAATCTCCCTAGCCTCTGCTGCGAGAAGTTCTGGAGAAGCAGCCAG[T>G]GCTAAGCCAGACCGAGGCCCGCGACTTAGTAGAACGCTGCATGCGAGTGCTGTACTACCG-3'
Protein context (NP_002787.2, residues 194-214): LLREVLEKQP[Val204Gly]LSQTEARDLV